The following is an entry in ClinVar:

NM_000883.4(IMPDH1):c.1262-9C>T

Gene: IMPDH1 (inosine monophosphate dehydrogenase 1; minus strand). Cytogenetic location: 7q32.1.
Variant type: single nucleotide variant.
Coding change: c.1262-9C>T on transcript NM_000883.4 (MANE Select); 9 bases into the intron before coding-DNA position 1262, C replaced by T.
Molecular consequence: intron variant.
Genome position (GRCh38, 1-based): chr7:128,395,283, G>A on the plus strand (C>T on the coding strand, the complement: IMPDH1 is on the minus strand). VCF-style: chr7-128395283-G-A. GRCh37 (hg19) VCF-style: chr7-128035337-G-A.
Other names: c.1055-9C>T (NM_001304521.2); c.1154-9C>T (NM_183243.3); c.1232-9C>T (NM_001102605.2); c.1163-9C>T (NM_001142576.2); c.932-9C>T (NM_001142575.2); c.992-9C>T (NM_001142574.2); c.1007-9C>T (NM_001142573.2); c.1262-9C>T (NM_000883.3).
Identifiers: ClinVar variation 2122604 (VCV002122604.6), dbSNP rs766762363, ClinGen allele CA578149211.
Genomic context (GRCh38, chr7:128,395,283, plus strand): 5'-TACTCAGCCACCTTGTACACAGCAGTGCCCTGGGGCCGACCACAGGCCATCACTGGGGGA[G>A]GGTGGGGTGCACAAGGCAGAGAAGAGTCAACAGCAACTCCGGGGCCTGGAGCGGGGCCAG-3'

ClinVar aggregate classification (germline): Likely benign. Review status: criteria provided, single submitter (1 of 4 stars). 2 submissions from 2 submitters: Likely benign (1). 1 of the submissions does not count toward it. Last evaluated 2023-07-17.

Conditions:
IMPDH1-related disorder. Also called: IMPDH1-related condition; IMPDH1-related disorders.

Allele frequency attached by ClinVar (database versions not stated): TOPMed 0.00002.
gnomAD v4.1: 34 of 1,612,868 alleles (0.0021%); highest among the groups gnomAD compares: Non-Finnish European, 0.0027%; no homozygotes.

Submissions (2):

Labcorp Genetics (formerly Invitae), Labcorp
Classification: Likely benign. Last evaluated: 2023-07-17. Review status: criteria provided, single submitter. Criteria: Invitae Variant Classification Sherloc (09022015). Collection method: clinical testing. Allele origin: germline.

PreventionGenetics, part of Exact Sciences
Classification: Likely benign for IMPDH1-related condition. Last evaluated: 2020-07-30. Review status: no assertion criteria provided. Collection method: clinical testing. Allele origin: germline. Not counted in ClinVar's aggregate classification.
Comment: This variant is classified as likely benign based on ACMG/AMP sequence variant interpretation guidelines (Richards et al. 2015 PMID: 25741868, with internal and published modifications).